The following is an entry in ClinVar:

ClinVar aggregate classification (germline): Likely benign. Review status: criteria provided, single submitter (1 of 4 stars). 2 submissions from 2 submitters: Likely benign (1). 1 of the submissions does not count toward it. Last evaluated 2022-08-01.

Conditions:
RERE-related disorder. Also called: RERE-related condition; RERE-Related Disorders. Identifiers: MedGen CN381537.
Inborn genetic diseases. Identifiers: MedGen C0950123, MeSH D030342.

Allele frequency attached by ClinVar (database versions not stated): gnomAD exomes 0.00006; gnomAD 0.00054; 1000 Genomes Project 30x 0.00062; TOPMed 0.00067.
gnomAD v4.1: 157 of 1,453,902 alleles (0.011%); highest among the groups gnomAD compares: African/African-American, 0.2%; no homozygotes.

Submissions (2):

Ambry Genetics
Classification: Likely benign for Inborn genetic diseases. Last evaluated: 2022-08-01. Review status: criteria provided, single submitter. Criteria: Ambry Variant Classification Scheme 2023. Collection method: clinical testing. Allele origin: germline.

PreventionGenetics, part of Exact Sciences
Classification: Likely benign for RERE-related condition. Last evaluated: 2024-03-05. Review status: no assertion criteria provided. Collection method: clinical testing. Allele origin: germline. Not counted in ClinVar's aggregate classification.
Comment: This variant is classified as likely benign based on ACMG/AMP sequence variant interpretation guidelines (Richards et al. 2015 PMID: 25741868, with internal and published modifications).

NM_001042681.2(RERE):c.3133C>T (p.Pro1045Ser)

Gene: RERE (arginine-glutamic acid dipeptide repeats; minus strand). Cytogenetic location: 1p36.23.
Variant type: single nucleotide variant.
Coding change: c.3133C>T on transcript NM_001042681.2 (MANE Select); coding-DNA position 3133, C replaced by T.
Protein change: p.Pro1045Ser; replaces proline 1045 with serine.
Molecular consequence: missense variant.
Genome position (GRCh38, 1-based): chr1:8,360,374, G>A on the plus strand (C>T on the coding strand, the complement: RERE is on the minus strand). VCF-style: chr1-8360374-G-A. GRCh37 (hg19) VCF-style: chr1-8420434-G-A.
Other names: c.3133C>T, p.Pro1045Ser (NM_012102.4); c.1471C>T, p.Pro491Ser (NM_001042682.2); short protein forms P1045S, P491S.
Identifiers: ClinVar variation 2346669 (VCV002346669.3), dbSNP rs767285567, ClinGen allele CA571248.